The following is an entry in ClinVar:

NM_014297.5(ETHE1):c.712+54T>C

Gene: ETHE1 (ETHE1 persulfide dioxygenase; minus strand). Cytogenetic location: 19q13.31.
Variant type: single nucleotide variant.
Coding change: c.712+54T>C on transcript NM_014297.5 (MANE Select); 54 bases into the intron after coding-DNA position 712, T replaced by C.
Molecular consequence: intron variant.
Genome position (GRCh38, 1-based): chr19:43,507,890, A>G on the plus strand (T>C on the coding strand, the complement: ETHE1 is on the minus strand). VCF-style: chr19-43507890-A-G. GRCh37 (hg19) VCF-style: chr19-44012042-A-G.
Other names: c.418+54T>C (NM_001320869.2); c.343+54T>C (NM_001320868.2); c.679+54T>C (NM_001320867.2).
Identifiers: ClinVar variation 3250633 (VCV003250633.18), dbSNP rs1239779445.

ClinVar aggregate classification (germline): Likely benign (1 of 4 stars; one submission).

Submission:

CeGaT Center for Human Genetics Tuebingen
Classification: Likely benign. Last evaluated: 2024-06-01. Review status: criteria provided, single submitter. Criteria: CeGaT Center For Human Genetics Tuebingen Variant Classification Criteria Version 2. Collection method: clinical testing. Allele origin: germline. Affected: yes. Observed: 1 variant allele.
Comment: ETHE1: BP4, BP7